The following is an entry in ClinVar:

ClinVar aggregate classification (germline): Uncertain significance. Review status: criteria provided, multiple submitters, no conflicts (2 of 4 stars). 2 submissions from 2 submitters: Uncertain significance (2). Last evaluated 2026-01-30.

Conditions:
TBX3-related disorder. Also called: TBX3-related condition.
Ulnar-mammary syndrome (UMS). Also called: SCHINZEL SYNDROME; PALLISTER ULNAR-MAMMARY SYNDROME; Ulnar-mammary syndrome of Pallister. Identifiers: Orphanet 3138, MedGen C1866994, MONDO:0008411, OMIM 181450.

Allele frequency attached by ClinVar (database versions not stated): gnomAD exomes 0.00001.
gnomAD v4.1: 9 of 1,556,134 alleles (0.00058%); highest among the groups gnomAD compares: Non-Finnish European, 0.00078%; no homozygotes.

Submissions (2):

PreventionGenetics, part of Exact Sciences
Classification: Uncertain significance for TBX3-related condition. Last evaluated: 2026-01-30. Review status: criteria provided, single submitter. Criteria: ACMG Guidelines, 2015. Collection method: clinical testing. Allele origin: germline.
Comment: The TBX3 c.1579A>G variant is predicted to result in the amino acid substitution p.Met527Val. To our knowledge, this variant has not been reported in the literature or in a large population database (gnomAD), indicating this variant is rare. At this time, the clinical significance of this variant is uncertain due to the absence of conclusive functional and genetic evidence.

Labcorp Genetics (formerly Invitae), Labcorp
Classification: Uncertain significance for Ulnar-mammary syndrome. Last evaluated: 2022-02-10. Review status: criteria provided, single submitter. Criteria: Invitae Variant Classification Sherloc (09022015). Collection method: clinical testing. Allele origin: germline.
Comment: In summary, the available evidence is currently insufficient to determine the role of this variant in disease. Therefore, it has been classified as a Variant of Uncertain Significance. Algorithms developed to predict the effect of missense changes on protein structure and function (SIFT, PolyPhen-2, Align-GVGD) all suggest that this variant is likely to be tolerated. This variant has not been reported in the literature in individuals affected with TBX3-related conditions. This variant is not present in population databases (gnomAD no frequency). This sequence change replaces methionine, which is neutral and non-polar, with valine, which is neutral and non-polar, at codon 507 of the TBX3 protein (p.Met507Val).

NM_005996.4(TBX3):c.1519A>G (p.Met507Val)

Gene: TBX3 (T-box transcription factor 3; minus strand). Cytogenetic location: 12q24.21.
Variant type: single nucleotide variant.
Coding change: c.1519A>G on transcript NM_005996.4 (MANE Select); coding-DNA position 1519, A replaced by G.
Protein change: p.Met507Val; replaces methionine 507 with valine.
Molecular consequence: missense variant.
Genome position (GRCh38, 1-based): chr12:114,674,356, T>C on the plus strand (A>G on the coding strand, the complement: TBX3 is on the minus strand). VCF-style: chr12-114674356-T-C. GRCh37 (hg19) VCF-style: chr12-115112161-T-C.
Other names: c.1579A>G (NM_016569.3); c.1579A>G, p.Met527Val (NM_016569.4); short protein forms M527V, M507V.
Identifiers: ClinVar variation 2142895 (VCV002142895.5), dbSNP rs936879280, ClinGen allele CA244143400.